The following is an entry in ClinVar:

ClinVar aggregate classification (germline): Uncertain significance (1 of 4 stars; one submission).

Allele frequency attached by ClinVar (database versions not stated): gnomAD exomes below 0.00001.
gnomAD v4.1: 2 of 1,614,152 alleles (0.00012%); highest among the groups gnomAD compares: East Asian, 0.0022%; no homozygotes.

Submission:

Labcorp Genetics (formerly Invitae), Labcorp
Classification: Uncertain significance. Last evaluated: 2024-10-24. Review status: criteria provided, single submitter. Criteria: Invitae Variant Classification Sherloc (09022015). Collection method: clinical testing. Allele origin: germline.
Comment: This sequence change replaces arginine, which is basic and polar, with tryptophan, which is neutral and slightly polar, at codon 1427 of the PRPF8 protein (p.Arg1427Trp). This variant is not present in population databases (gnomAD no frequency). This variant has not been reported in the literature in individuals affected with PRPF8-related conditions. ClinVar contains an entry for this variant (Variation ID: 1989676). Invitae Evidence Modeling of protein sequence and biophysical properties (such as structural, functional, and spatial information, amino acid conservation, physicochemical variation, residue mobility, and thermodynamic stability) indicates that this missense variant is expected to disrupt PRPF8 protein function with a positive predictive value of 80%. In summary, the available evidence is currently insufficient to determine the role of this variant in disease. Therefore, it has been classified as a Variant of Uncertain Significance.

NM_006445.4(PRPF8):c.4279C>T (p.Arg1427Trp)

Gene: PRPF8 (pre-mRNA processing factor 8; minus strand). Cytogenetic location: 17p13.3.
Variant type: single nucleotide variant.
Coding change: c.4279C>T on transcript NM_006445.4 (MANE Select); coding-DNA position 4279, C replaced by T.
Protein change: p.Arg1427Trp; replaces arginine 1427 with tryptophan.
Molecular consequence: missense variant.
Genome position (GRCh38, 1-based): chr17:1,661,330, G>A on the plus strand (C>T on the coding strand, the complement: PRPF8 is on the minus strand). VCF-style: chr17-1661330-G-A. GRCh37 (hg19) VCF-style: chr17-1564624-G-A.
Other names: short protein forms R1427W.
Identifiers: ClinVar variation 1989676 (VCV001989676.4), dbSNP rs1567679906, ClinGen allele CA397577348.